The following is an entry in ClinVar:

NM_001079802.2(FKTN):c.638C>G (p.Ala213Gly)

Gene: FKTN (fukutin; plus strand). Cytogenetic location: 9q31.2.
Variant type: single nucleotide variant.
Coding change: c.638C>G on transcript NM_001079802.2 (MANE Select); coding-DNA position 638, C replaced by G.
Protein change: p.Ala213Gly; replaces alanine 213 with glycine.
Molecular consequence: missense variant. On other transcripts: non-coding transcript variant (2).
Genome position (GRCh38, 1-based): chr9:105,604,483, C>G. VCF-style: chr9-105604483-C-G. GRCh37 (hg19) VCF-style: chr9-108366764-C-G.
Other names: c.638C>G, p.Ala213Gly (NM_001198963.2, NM_001351496.2, NM_001351498.2 and 1 more transcripts); c.569C>G, p.Ala190Gly (NM_001351497.2); c.242C>G, p.Ala81Gly (NM_001351499.2, NM_001351500.2, NM_001351501.2 and 1 more transcripts); short protein forms A190G, A81G, A213G.
Identifiers: ClinVar variation 4025264 (VCV004025264.1).

ClinVar aggregate classification (germline): Uncertain significance (1 of 4 stars; one submission).

Conditions:
Cardiovascular phenotype. Identifiers: MedGen CN230736.

gnomAD v4.1: 12 of 1,613,730 alleles (0.00074%); highest among the groups gnomAD compares: South Asian, 0.0077%; no homozygotes.

Submission:

Ambry Genetics
Classification: Uncertain significance for Cardiovascular phenotype. Last evaluated: 2025-04-12. Review status: criteria provided, single submitter. Criteria: Ambry Variant Classification Scheme 2023. Collection method: clinical testing. Allele origin: germline.
Comment: The p.A213G variant (also known as c.638C>G), located in coding exon 4 of the FKTN gene, results from a C to G substitution at nucleotide position 638. The alanine at codon 213 is replaced by glycine, an amino acid with similar properties. This amino acid position is conserved. In addition, this alteration is predicted to be deleterious by in silico analysis. Based on the available evidence, the clinical significance of this variant remains unclear.